The following is an entry in ClinVar:

NM_000098.3(CPT2):c.602G>T (p.Trp201Leu)

Gene: CPT2 (carnitine palmitoyltransferase 2; plus strand). Cytogenetic location: 1p32.3.
Variant type: single nucleotide variant.
Coding change: c.602G>T on transcript NM_000098.3 (MANE Select); coding-DNA position 602, G replaced by T.
Protein change: p.Trp201Leu; replaces tryptophan 201 with leucine.
Molecular consequence: missense variant.
Genome position (GRCh38, 1-based): chr1:53,210,276, G>T. VCF-style: chr1-53210276-G-T. GRCh37 (hg19) VCF-style: chr1-53675948-G-T.
Other names: c.602G>T, p.Trp201Leu (NM_001330589.2); short protein forms W201L.
Identifiers: ClinVar variation 1385395 (VCV001385395.6), dbSNP rs1401450508, ClinGen allele CA340392831.

ClinVar aggregate classification (germline): Uncertain significance (1 of 4 stars; one submission).

Conditions:
Carnitine palmitoyltransferase II deficiency. Also called: Carnitine Palmitoyltransferase 2 Deficiency. Identifiers: Orphanet 157, MedGen C0342790, MONDO:0015515.

Allele frequency attached by ClinVar (database versions not stated): gnomAD exomes below 0.00001.

Submission:

Labcorp Genetics (formerly Invitae), Labcorp
Classification: Uncertain significance for Carnitine palmitoyltransferase II deficiency. Last evaluated: 2021-08-19. Review status: criteria provided, single submitter. Criteria: Invitae Variant Classification Sherloc (09022015). Collection method: clinical testing. Allele origin: germline.
Comment: In summary, the available evidence is currently insufficient to determine the role of this variant in disease. Therefore, it has been classified as a Variant of Uncertain Significance. Algorithms developed to predict the effect of missense changes on protein structure and function are either unavailable or do not agree on the potential impact of this missense change (SIFT: "Deleterious"; PolyPhen-2: "Probably Damaging"; Align-GVGD: "Class C0"). This variant has not been reported in the literature in individuals affected with CPT2-related conditions. This variant is not present in population databases (ExAC no frequency). This sequence change replaces tryptophan with leucine at codon 201 of the CPT2 protein (p.Trp201Leu). The tryptophan residue is highly conserved and there is a small physicochemical difference between tryptophan and leucine.